The following is an entry in ClinVar:

ClinVar aggregate classification (germline): Benign/Likely benign. Review status: criteria provided, multiple submitters, no conflicts (2 of 4 stars). 3 submissions from 3 submitters: Benign (1); Likely benign (2). Last evaluated 2025-10-14.

Conditions:
Hereditary cancer-predisposing syndrome. Also called: Neoplastic Syndromes, Hereditary; Tumor predisposition; Hereditary Cancer Syndrome; Hereditary neoplastic syndrome. Identifiers: Orphanet 140162, MedGen C0027672, MeSH D009386, MONDO:0015356.
Hereditary leiomyomatosis and renal cell cancer. Also called: MULTIPLE CUTANEOUS AND UTERINE LEIOMYOMATA 1, WITH OR WITHOUT RENAL CELL CARCINOMA; LEIOMYOMA, MULTIPLE CUTANEOUS; Reed syndrome; Multiple cutaneous and uterine leiomyomatosis; Cutaneous leiomyomata with uterine leiomyomata; Leiomyoma, hereditary multiple, of skin. Identifiers: Orphanet 523, MedGen C1708350, MONDO:0007888, OMIM 150800, HP:0007437. Disease mechanism: loss of function.

Allele frequency attached by ClinVar (database versions not stated): TOPMed below 0.00001; gnomAD exomes 0.00001; ExAC 0.00002.
gnomAD v4.1: 16 of 1,612,354 alleles (0.00099%); highest among the groups gnomAD compares: Middle Eastern, 0.019%; no homozygotes.

Submissions (3):

Labcorp Genetics (formerly Invitae), Labcorp
Classification: Likely benign. Last evaluated: 2025-10-14. Review status: criteria provided, single submitter. Criteria: Invitae Variant Classification Sherloc (09022015). Collection method: clinical testing. Allele origin: germline.

Myriad Genetics, Inc.
Classification: Benign for Hereditary leiomyomatosis and renal cell cancer. Last evaluated: 2024-10-22. Review status: criteria provided, single submitter. Criteria: Myriad Autosomal Dominant, Autosomal Recessive and X-Linked Classification Criteria (2023). Collection method: clinical testing. Allele origin: unknown.
Comment: This variant is considered benign. This variant is a silent/synonymous amino acid change and it is not expected to impact splicing.

Ambry Genetics
Classification: Likely benign for Hereditary cancer-predisposing syndrome. Last evaluated: 2020-04-15. Review status: criteria provided, single submitter. Criteria: Ambry Variant Classification Scheme 2023. Collection method: clinical testing. Allele origin: germline.

NM_000143.4(FH):c.1494C>T (p.Asp498=)

Gene: FH (fumarate hydratase; minus strand). Cytogenetic location: 1q43.
Variant type: single nucleotide variant.
Coding change: c.1494C>T on transcript NM_000143.4 (MANE Select); coding-DNA position 1494, C replaced by T.
Protein change: p.Asp498=; no amino-acid change (aspartic acid 498 retained).
Molecular consequence: synonymous variant.
Genome position (GRCh38, 1-based): chr1:241,497,867, G>A on the plus strand (C>T on the coding strand, the complement: FH is on the minus strand). VCF-style: chr1-241497867-G-A. GRCh37 (hg19) VCF-style: chr1-241661167-G-A.
Identifiers: ClinVar variation 1596396 (VCV001596396.11), dbSNP rs199949526, ClinGen allele CA1478426.